The following is an entry in ClinVar:

NM_001844.5(COL2A1):c.1267-19C>A

Gene: COL2A1 (collagen type II alpha 1 chain; minus strand). Cytogenetic location: 12q13.11.
Variant type: single nucleotide variant.
Coding change: c.1267-19C>A on transcript NM_001844.5 (MANE Select); 19 bases into the intron before coding-DNA position 1267, C replaced by A.
Molecular consequence: intron variant.
Genome position (GRCh38, 1-based): chr12:47,987,195, G>T on the plus strand (C>A on the coding strand, the complement: COL2A1 is on the minus strand). VCF-style: chr12-47987195-G-T. GRCh37 (hg19) VCF-style: chr12-48380978-G-T.
Other names: c.1060-19C>A (NM_033150.3).
Identifiers: ClinVar variation 515244 (VCV000515244.4), dbSNP rs1351301710, ClinGen allele CA605231718.
Genomic context (GRCh38, chr12:47,987,195, plus strand): 5'-TGGCCCAGGGAAGCCAGGAGCACCAGCAATGCCAGGAGCACCCTGTGGGCATGAGAAGAA[G>T]GGAGGGGTGTCAGGAGAGGGGAGAGGCAGGACTGGGCTCTCCTGGGGTAGCAAAGTCCAC-3'

ClinVar aggregate classification (germline): Likely benign. Review status: criteria provided, multiple submitters, no conflicts (2 of 4 stars). 2 submissions from 2 submitters: Likely benign (2). Last evaluated 2025-03-30.

Allele frequency attached by ClinVar (database versions not stated): TOPMed below 0.00001; gnomAD 0.00001; gnomAD exomes 0.00002.

Submissions (2):

Labcorp Genetics (formerly Invitae), Labcorp
Classification: Likely benign. Last evaluated: 2025-03-30. Review status: criteria provided, single submitter. Criteria: Invitae Variant Classification Sherloc (09022015). Collection method: clinical testing. Allele origin: germline.

GeneDx
Classification: Likely benign. Last evaluated: 2018-02-05. Review status: criteria provided, single submitter. Criteria: GeneDx Variant Classification (06012015). Collection method: clinical testing. Allele origin: germline. Affected: yes.
Comment: This variant is considered likely benign or benign based on one or more of the following criteria: it is a conservative change, it occurs at a poorly conserved position in the protein, it is predicted to be benign by multiple in silico algorithms, and/or has population frequency not consistent with disease.